The following is an entry in ClinVar:

NM_001267550.2(TTN):c.99297G>C (p.Glu33099Asp)

Genes: TTN (titin; minus strand), TTN-AS1 (TTN antisense RNA 1; plus strand). Cytogenetic location: 2q31.2.
Variant type: single nucleotide variant.
Coding change: c.99297G>C on transcript NM_001267550.2 (MANE Select); coding-DNA position 99297, G replaced by C.
Protein change: p.Glu33099Asp; replaces glutamic acid 33099 with aspartic acid.
Molecular consequence: missense variant.
Genome position (GRCh38, 1-based): chr2:178,537,910, C>G on the plus strand (G>C on the coding strand, the complement: TTN is on the minus strand). VCF-style: chr2-178537910-C-G. GRCh37 (hg19) VCF-style: chr2-179402637-C-G.
Other names: c.94374G>C, p.Glu31458Asp (NM_001256850.1); c.72102G>C, p.Glu24034Asp (NM_003319.4); c.91593G>C, p.Glu30531Asp (NM_133378.4); c.72477G>C, p.Glu24159Asp (NM_133432.3); c.72678G>C, p.Glu24226Asp (NM_133437.4); short protein forms E24034D, E24159D, E24226D, E30531D, E31458D, E33099D.
Identifiers: ClinVar variation 3902922 (VCV003902922.1).

ClinVar aggregate classification (germline): Uncertain significance (1 of 4 stars; one submission).

gnomAD v4.1: 2 of 1,606,756 alleles (0.00012%); highest among the groups gnomAD compares: Admixed American, 0.0017%; no homozygotes.

Submission:

GeneDx
Classification: Uncertain significance. Last evaluated: 2024-12-10. Review status: criteria provided, single submitter. Criteria: GeneDx Variant Classification Process June 2021. Collection method: clinical testing. Allele origin: germline. Affected: yes.
Comment: Not observed at significant frequency in large population cohorts (gnomAD); Missense variant in a gene in which most reported pathogenic variants are truncating/loss of function; Has not been previously published as pathogenic or benign to our knowledge